The following is an entry in ClinVar:

ClinVar aggregate classification (germline): Uncertain significance. Review status: criteria provided, multiple submitters, no conflicts (2 of 4 stars). 3 submissions from 3 submitters: Uncertain significance (3). Last evaluated 2023-10-01.

Conditions:
Inborn genetic diseases. Identifiers: MedGen C0950123, MeSH D030342.
Epidermolysis bullosa simplex 3, localized or generalized intermediate, with BP230 deficiency (EBS3). Also called: Epidermolysis bullosa simplex due to BP230 deficiency; Epidermolysis bullosa simplex, autosomal recessive 2. Identifiers: Orphanet 412181, MedGen C3809470, MONDO:0014180, OMIM 615425.
Hereditary sensory and autonomic neuropathy type 6. Also called: Neuropathy, hereditary sensory and autonomic, type VI; HSAN VI. Identifiers: Orphanet 314381, MedGen C3539003, MONDO:0013839, OMIM 614653.

Allele frequency attached by ClinVar (database versions not stated): gnomAD exomes below 0.00001.
gnomAD v4.1: 5 of 1,612,322 alleles (0.00031%); highest among the groups gnomAD compares: Non-Finnish European, 0.00042%; no homozygotes.

Submissions (3):

CeGaT Center for Human Genetics Tuebingen
Classification: Uncertain significance. Last evaluated: 2023-10-01. Review status: criteria provided, single submitter. Criteria: CeGaT Center For Human Genetics Tuebingen Variant Classification Criteria Version 2. Collection method: clinical testing. Allele origin: germline. Affected: yes. Observed: 1 variant allele.
Comment: DST: PM2, BP4

Ambry Genetics
Classification: Uncertain significance for Inborn genetic diseases. Last evaluated: 2023-09-25. Review status: criteria provided, single submitter. Criteria: Ambry Variant Classification Scheme 2023. Collection method: clinical testing. Allele origin: germline.

Labcorp Genetics (formerly Invitae), Labcorp
Classification: Uncertain significance for Epidermolysis bullosa simplex 3, localized or generalized intermediate, with BP230 deficiency; Hereditary sensory and autonomic neuropathy type 6. Last evaluated: 2021-08-24. Review status: criteria provided, single submitter. Criteria: Invitae Variant Classification Sherloc (09022015). Collection method: clinical testing. Allele origin: germline.
Comment: In summary, the available evidence is currently insufficient to determine the role of this variant in disease. Therefore, it has been classified as a Variant of Uncertain Significance. Experimental studies and prediction algorithms are not available or were not evaluated, and the functional significance of this variant is currently unknown. This variant has not been reported in the literature in individuals with DST-related conditions. This variant is not present in population databases (ExAC no frequency). This sequence change replaces valine with isoleucine at codon 1986 of the DST protein (p.Val1986Ile). The DST gene has multiple clinically relevant transcripts. This variant occurs in alternate transcript NM_015548.4, and corresponds to NM_001723.5:c.*45608G>A in the primary transcript.

NM_001374736.1(DST):c.13825G>A (p.Val4609Ile)

Gene: DST (dystonin; minus strand). Cytogenetic location: 6p12.1.
Variant type: single nucleotide variant.
Coding change: c.13825G>A on transcript NM_001374736.1 (MANE Select); coding-DNA position 13825, G replaced by A.
Protein change: p.Val4609Ile; replaces valine 4609 with isoleucine.
Molecular consequence: missense variant.
Genome position (GRCh38, 1-based): chr6:56,569,909, C>T on the plus strand (G>A on the coding strand, the complement: DST is on the minus strand). VCF-style: chr6-56569909-C-T. GRCh37 (hg19) VCF-style: chr6-56434707-C-T.
Other names: c.7468G>A, p.Val2490Ile (NM_001144769.5); c.7054G>A, p.Val2352Ile (NM_001144770.2); c.13825G>A, p.Val4609Ile (NM_001374722.1); c.13192G>A, p.Val4398Ile (NM_001374729.1); c.6934G>A, p.Val2312Ile (NM_001374730.1, NM_001386100.1, NM_183380.4); c.13852G>A, p.Val4618Ile (NM_001374734.1); c.5956G>A, p.Val1986Ile (NM_015548.5); c.7468G>A (NM_001144769.2); short protein forms V4618I, V2312I, V2352I, V2490I, V4398I, V4609I, V1986I.
Identifiers: ClinVar variation 1423286 (VCV001423286.31), dbSNP rs1031797194, ClinGen allele CA139212385.